The following is an entry in ClinVar:

NM_001358530.2(MOCS1):c.707C>T (p.Thr236Ile)

Gene: MOCS1 (molybdenum cofactor synthesis 1; minus strand). Cytogenetic location: 6p21.2.
Variant type: single nucleotide variant.
Coding change: c.707C>T on transcript NM_001358530.2 (MANE Select); coding-DNA position 707, C replaced by T.
Protein change: p.Thr236Ile; replaces threonine 236 with isoleucine.
Molecular consequence: missense variant. On other transcripts: non-coding transcript variant (1).
Genome position (GRCh38, 1-based): chr6:39,913,367, G>A on the plus strand (C>T on the coding strand, the complement: MOCS1 is on the minus strand). VCF-style: chr6-39913367-G-A. GRCh37 (hg19) VCF-style: chr6-39881111-G-A.
Other names: c.707C>T, p.Thr236Ile (NM_001075098.4, NM_001358529.2, NM_005943.6); c.446C>T, p.Thr149Ile (NM_001358531.2, NM_001358533.2, NM_001358534.2); short protein forms T149I, T236I.
Identifiers: ClinVar variation 907292 (VCV000907292.12), dbSNP rs201036100, ClinGen allele CA3796177.

ClinVar aggregate classification (germline): Uncertain significance. Review status: criteria provided, multiple submitters, no conflicts (2 of 4 stars). 4 submissions from 4 submitters: Uncertain significance (4). Last evaluated 2025-07-16.

Conditions:
Inborn genetic diseases. Identifiers: MedGen C0950123, MeSH D030342.
Sulfite oxidase deficiency due to molybdenum cofactor deficiency type A. Also called: Molybdenum Cofactor Deficiency A; Molybdenum cofactor deficiency, complementation group A. Identifiers: Orphanet 308386, Orphanet 833, MedGen C1854988, MONDO:0009643, OMIM 252150.

Allele frequency attached by ClinVar (database versions not stated): gnomAD exomes 0.00002 and 0.00008; ExAC 0.00003; gnomAD 0.00003; TOPMed 0.00005; ESP Exome Variant Server 0.00015.
gnomAD v4.1: 119 of 1,614,080 alleles (0.0074%); highest among the groups gnomAD compares: Non-Finnish European, 0.0095%; no homozygotes.

Submissions (4):

Ambry Genetics
Classification: Uncertain significance for Inborn genetic diseases. Last evaluated: 2025-07-16. Review status: criteria provided, single submitter. Criteria: Ambry Variant Classification Scheme 2023. Collection method: clinical testing. Allele origin: germline.

Fulgent Genetics
Classification: Uncertain significance for Sulfite oxidase deficiency due to molybdenum cofactor deficiency type A. Last evaluated: 2024-01-22. Review status: criteria provided, single submitter. Criteria: ACMG Guidelines, 2015. Collection method: clinical testing. Allele origin: germline.

Labcorp Genetics (formerly Invitae), Labcorp
Classification: Uncertain significance for Sulfite oxidase deficiency due to molybdenum cofactor deficiency type A. Last evaluated: 2022-08-12. Review status: criteria provided, single submitter. Criteria: Invitae Variant Classification Sherloc (09022015). Collection method: clinical testing. Allele origin: germline.
Comment: This sequence change replaces threonine, which is neutral and polar, with isoleucine, which is neutral and non-polar, at codon 236 of the MOCS1 protein (p.Thr236Ile). This variant is present in population databases (rs201036100, gnomAD 0.006%). This variant has not been reported in the literature in individuals affected with MOCS1-related conditions. ClinVar contains an entry for this variant (Variation ID: 907292). Algorithms developed to predict the effect of missense changes on protein structure and function are either unavailable or do not agree on the potential impact of this missense change (SIFT: "Not Available"; PolyPhen-2: "Probably Damaging"; Align-GVGD: "Not Available"). In summary, the available evidence is currently insufficient to determine the role of this variant in disease. Therefore, it has been classified as a Variant of Uncertain Significance.

Illumina Laboratory Services, Illumina
Classification: Uncertain significance for Sulfite oxidase deficiency due to molybdenum cofactor deficiency type A. Last evaluated: 2018-01-12. Review status: criteria provided, single submitter. Criteria: ICSL Variant Classification Criteria 13 December 2019. Collection method: clinical testing. Allele origin: germline.